The following is an entry in ClinVar:

NM_002474.3(MYH11):c.3233T>C (p.Ile1078Thr)

Gene: MYH11 (myosin heavy chain 11; minus strand). Cytogenetic location: 16p13.11.
Variant type: single nucleotide variant.
Coding change: c.3233T>C on transcript NM_002474.3 (MANE Select); coding-DNA position 3233, T replaced by C.
Protein change: p.Ile1078Thr; replaces isoleucine 1078 with threonine.
Molecular consequence: missense variant.
Genome position (GRCh38, 1-based): chr16:15,737,509, A>G on the plus strand (T>C on the coding strand, the complement: MYH11 is on the minus strand). VCF-style: chr16-15737509-A-G. GRCh37 (hg19) VCF-style: chr16-15831366-A-G.
Other names: c.3254T>C, p.Ile1085Thr (NM_001040113.2, NM_001040114.2); c.3233T>C, p.Ile1078Thr (NM_022844.3); short protein forms I1085T, I1078T.
Identifiers: ClinVar variation 36618 (VCV000036618.19), dbSNP rs193922629, ClinGen allele CA214156.

ClinVar aggregate classification (germline): Uncertain significance. Review status: criteria provided, multiple submitters, no conflicts (2 of 4 stars). 7 submissions from 7 submitters: Uncertain significance (7). Last evaluated 2025-08-26.

Conditions:
Aortic aneurysm, familial thoracic 4 (AAT4). Also called: AORTIC ANEURYSM/AORTIC DISSECTION AND PATENT DUCTUS ARTERIOSUS. Identifiers: MedGen C1851504, MONDO:0007568, OMIM 132900.
Visceral myopathy 2. Identifiers: MedGen C5543466, MONDO:0859157, OMIM 619350.
Megacystis-microcolon-intestinal hypoperistalsis syndrome 2. Identifiers: MedGen C5543476, MONDO:0025708, OMIM 619351.
Familial thoracic aortic aneurysm and aortic dissection (TAAD). Also called: Thoracic aortic aneurysms and dissections. Identifiers: Orphanet 91387, MedGen C4707243, MONDO:0019625.

Allele frequency attached by ClinVar (database versions not stated): gnomAD exomes below 0.00001 and 0.00002; gnomAD 0.00001; TOPMed 0.00002.

Submissions (7):

GeneDx
Classification: Uncertain significance. Last evaluated: 2025-08-26. Review status: criteria provided, single submitter. Criteria: GeneDx Variant Classification Process June 2021. Collection method: clinical testing. Allele origin: germline. Affected: yes.
Comment: Has not been previously published as pathogenic or benign to our knowledge; Not observed at significant frequency in large population cohorts (gnomAD); In silico analysis supports that this missense variant has a deleterious effect on protein structure/function

Color Diagnostics, LLC DBA Color Health
Classification: Uncertain significance for Familial thoracic aortic aneurysm and aortic dissection. Last evaluated: 2025-06-11. Review status: criteria provided, single submitter. Criteria: ACMG Guidelines, 2015. Collection method: clinical testing. Allele origin: germline.
Comment: This missense variant replaces isoleucine with threonine at codon 1085 of the MYH11 protein. Computational prediction tool is inconclusive regarding the impact of this variant on protein structure and function. To our knowledge, functional studies have not been reported for this variant. This variant has not been reported in individuals affected with MYH11-related disorders in the literature. This variant has been identified in 1/251308 chromosomes in the general population by the Genome Aggregation Database (gnomAD). The available evidence is insufficient to determine the role of this variant in disease conclusively. Therefore, this variant is classified as a Variant of Uncertain Significance.

Ambry Genetics
Classification: Uncertain significance for Familial thoracic aortic aneurysm and aortic dissection. Last evaluated: 2025-06-09. Review status: criteria provided, single submitter. Criteria: Ambry Variant Classification Scheme 2023. Collection method: clinical testing. Allele origin: germline.
Comment: The p.I1078T variant (also known as c.3233T>C), located in coding exon 24 of the MYH11 gene, results from a T to C substitution at nucleotide position 3233. The isoleucine at codon 1078 is replaced by threonine, an amino acid with similar properties. This amino acid position is highly conserved in available vertebrate species. In addition, the in silico prediction for this alteration is inconclusive. Since supporting evidence is limited at this time, the clinical significance of this alteration remains unclear.

All of Us Research Program, National Institutes of Health
Classification: Uncertain significance for Familial thoracic aortic aneurysm and aortic dissection. Last evaluated: 2024-06-11. Review status: criteria provided, single submitter. Criteria: ACMG Guidelines, 2015. Collection method: clinical testing. Allele origin: germline. Inheritance: Autosomal dominant inheritance. Observed: 7 variant alleles, 7 heterozygotes.
Comment: This missense variant replaces isoleucine with threonine at codon 1085 of the MYH11 protein. Computational prediction is inconclusive regarding the impact of this variant on protein structure and function (internally defined REVEL score threshold 0.5 < inconclusive < 0.7, PMID: 27666373). To our knowledge, functional studies have not been reported for this variant. This variant has not been reported in individuals affected with MYH11-related disorders in the literature. This variant has been identified in 1/251308 chromosomes in the general population by the Genome Aggregation Database (gnomAD). The available evidence is insufficient to determine the role of this variant in disease conclusively. Therefore, this variant is classified as a Variant of Uncertain Significance.

This study involves interpretation of variants in research participants for the purpose of population health screening. Participant phenotype was not available at the time of variant classification. Additional details can be found in publication PMID: 35346344, PMCID: PMC8962531

Fulgent Genetics
Classification: Uncertain significance for Aortic aneurysm, familial thoracic 4; Visceral myopathy 2; Megacystis-microcolon-intestinal hypoperistalsis syndrome 2. Last evaluated: 2021-10-20. Review status: criteria provided, single submitter. Criteria: ACMG Guidelines, 2015. Collection method: clinical testing. Allele origin: unknown.

Labcorp Genetics (formerly Invitae), Labcorp
Classification: Uncertain significance for Aortic aneurysm, familial thoracic 4. Last evaluated: 2021-08-31. Review status: criteria provided, single submitter. Criteria: Invitae Variant Classification Sherloc (09022015). Collection method: clinical testing. Allele origin: germline.
Comment: This sequence change replaces isoleucine with threonine at codon 1085 of the MYH11 protein (p.Ile1085Thr). The isoleucine residue is highly conserved and there is a moderate physicochemical difference between isoleucine and threonine. This variant is not present in population databases (ExAC no frequency). This variant has not been reported in the literature in individuals affected with MYH11-related conditions. ClinVar contains an entry for this variant (Variation ID: 36618). Algorithms developed to predict the effect of missense changes on protein structure and function (SIFT, PolyPhen-2, Align-GVGD) all suggest that this variant is likely to be disruptive. In summary, the available evidence is currently insufficient to determine the role of this variant in disease. Therefore, it has been classified as a Variant of Uncertain Significance.

Women's Health and Genetics/Laboratory Corporation of America, LabCorp
Classification: Uncertain significance. Last evaluated: 2019-05-30. Review status: criteria provided, single submitter. Criteria: LabCorp Variant Classification Summary - May 2015. Collection method: clinical testing. Allele origin: germline.
Comment: MYH11 c.3254T>C (p.Ile1085Thr, NM_001040113.1) results in a non-conservative amino acid change located in the Myosin tail domain (IPR002928) of the encoded protein sequence. Three of five in-silico tools predict a damaging effect of the variant on protein function. The variant allele was found at a frequency of 4e-06 in 251308 control chromosomes (gnomAD). The available data on variant occurrences in the general population are insufficient to allow any conclusion about variant significance. To our knowledge, no occurrence of c.3254T>C in individuals affected with Aortopathy and no experimental evidence demonstrating its impact on protein function have been reported. Two submitters have provided clinical-significance assessments for this variant to ClinVar after 2014 without evidence for independent evaluation and classified the variant as uncertain significance. Based on the evidence outlined above, the variant was classified as uncertain significance.